The following is an entry in ClinVar:

ClinVar aggregate classification (germline): Likely pathogenic (1 of 4 stars; one submission).

Conditions:
Thyroid dyshormonogenesis 6 (TDH6). Also called: HYPOTHYROIDISM, CONGENITAL, DUE TO DYSHORMONOGENESIS, 6; THYROID HORMONOGENESIS, GENETIC DEFECT IN, 6; Genetic transient congenital hypothyroidism. Identifiers: Orphanet 226316, Orphanet 95716, MedGen C1846632, MONDO:0011792, OMIM 607200.

Submission:

Juno Genomics, Hangzhou Juno Genomics, Inc
Classification: Likely pathogenic for Thyroid dyshormonogenesis 6. Review status: criteria provided, single submitter. Criteria: ACMG Guidelines, 2015. Collection method: clinical testing. Allele origin: germline.
Comment: Absent from controls (or at extremely low frequency if recessive) in Genome Aggregation Database.;Null variant in a gene where loss of function (LOF) is a known mechanism of disease.

NM_001363711.2(DUOX2):c.3983del (p.Thr1328fs)

Gene: DUOX2 (dual oxidase 2; minus strand). Cytogenetic location: 15q21.1.
Variant type: Deletion.
Coding change: c.3983del on transcript NM_001363711.2 (MANE Select); coding-DNA position 3983, one base deleted (C; older notation c.3983delC).
Protein change: p.Thr1328fs; shifts the reading frame from threonine 1328.
Molecular consequence: frameshift variant.
Genome position (GRCh38, 1-based): chr15:45,095,925, G deleted on the plus strand (C on the coding strand, the reverse complement: DUOX2 is on the minus strand). VCF-style (leftmost placement, unchanged base first): chr15-45095924-TG-T. GRCh37 (hg19) VCF-style: chr15-45388122-TG-T.
Other names: c.3983del, p.Thr1328fs (NM_014080.5); short protein forms T1328fs.
Identifiers: ClinVar variation 5018712 (VCV005018712.2).